The following is an entry in ClinVar:

ClinVar aggregate classification (germline): Conflicting classifications of pathogenicity. Review status: criteria provided, conflicting classifications (1 of 4 stars). 3 submissions from 3 submitters: Likely pathogenic (1); Uncertain significance (2). Last evaluated 2025-12-12.

Conditions:
Mitochondrial complex V (ATP synthase) deficiency, nuclear type 2. Also called: Nuclear-Encoded ATPase Deficiency, TMEM70-Related; ENCEPHALOCARDIOMYOPATHY, MITOCHONDRIAL, NEONATAL, DUE TO ATP SYNTHASE DEFICIENCY; MITOCHONDRIAL COMPLEX V (ATP SYNTHASE) DEFICIENCY, TMEM70 TYPE. Identifiers: Orphanet 1194, MedGen C3279699, MONDO:0013546, OMIM 614052.

Allele frequency attached by ClinVar (database versions not stated): ExAC 0.00004; gnomAD 0.00006; gnomAD exomes 0.00007 and 0.00014; ESP Exome Variant Server 0.00008; TOPMed 0.00009.
gnomAD v4.1: 208 of 1,614,042 alleles (0.013%); highest among the groups gnomAD compares: South Asian, 0.023%; no homozygotes.

Submissions (3):

Mayo Clinic Laboratories, Mayo Clinic
Classification: Uncertain significance. Last evaluated: 2025-12-12. Review status: criteria provided, single submitter. Criteria: ACMG Guidelines, 2015. Collection method: clinical testing. Allele origin: germline. Observed: 1 variant allele.
Comment: PP3

Labcorp Genetics (formerly Invitae), Labcorp
Classification: Uncertain significance for Mitochondrial complex V (ATP synthase) deficiency, nuclear type 2. Last evaluated: 2022-10-17. Review status: criteria provided, single submitter. Criteria: Invitae Variant Classification Sherloc (09022015). Collection method: clinical testing. Allele origin: germline.
Comment: This sequence change replaces threonine, which is neutral and polar, with methionine, which is neutral and non-polar, at codon 152 of the TMEM70 protein (p.Thr152Met). This variant is present in population databases (rs200820631, gnomAD 0.02%). This variant has not been reported in the literature in individuals affected with TMEM70-related conditions. ClinVar contains an entry for this variant (Variation ID: 203985). Advanced modeling of protein sequence and biophysical properties (such as structural, functional, and spatial information, amino acid conservation, physicochemical variation, residue mobility, and thermodynamic stability) performed at Invitae indicates that this missense variant is expected to disrupt TMEM70 protein function. In summary, the available evidence is currently insufficient to determine the role of this variant in disease. Therefore, it has been classified as a Variant of Uncertain Significance.

GeneDx
Classification: Likely pathogenic. Last evaluated: 2014-04-25. Review status: criteria provided, single submitter. Criteria: GeneDx Variant Classification (06012015). Collection method: clinical testing. Allele origin: germline. Affected: yes.
Comment: p.Thr152Met (ACG>ATG): c.455 C>T in exon 3 of the TMEM70 gene (NM_017866.5)A T152M missense change that is likely pathogenic was identified in the TMEM70 gene. It has not been published as a mutation, nor has it been reported as a benign polymorphism to our knowledge. The T152M variant is a non-conservative amino acid substitution as these residues differ in polarity, charge, size and/or other properties and is more likely to impact secondary structure. This substitution occurs at a highly conserved position in the TMEM70 protein, and multiple in-silico analysis programs predict that T152M is damaging to the TMEM70 protein. Therefore, T152M is a strong candidate for a disease-causing mutation, however the possibility that it is a benign variant cannot be excluded. The variant is found in MITONUC-MITOP panel(s).

Literature cited by the submitters: PubMed 31589614 (cited by Mayo Clinic Laboratories, Mayo Clinic).

NM_017866.6(TMEM70):c.455C>T (p.Thr152Met)

Gene: TMEM70 (transmembrane protein 70; plus strand). Cytogenetic location: 8q21.11.
Variant type: single nucleotide variant.
Coding change: c.455C>T on transcript NM_017866.6 (MANE Select); coding-DNA position 455, C replaced by T.
Protein change: p.Thr152Met; replaces threonine 152 with methionine.
Molecular consequence: missense variant. On other transcripts: 3 prime UTR variant (1), non-coding transcript variant (1).
Genome position (GRCh38, 1-based): chr8:73,981,293, C>T. VCF-style: chr8-73981293-C-T. GRCh37 (hg19) VCF-style: chr8-74893528-C-T.
Other names: p.T152M:ACG>ATG; p.Thr152Met; c.*145C>T (NM_001040613.3); short protein forms T152M.
Identifiers: ClinVar variation 203985 (VCV000203985.8), dbSNP rs200820631, ClinGen allele CA313080.
Genomic context (GRCh38, chr8:73,981,293, plus strand): 5'-TTTCTGAAAGTGTGCCTCTGCCTATTCAAATCATATTCTATGGCATCATGGGAAGCTTTA[C>T]GGTGATCACCCCAGTGCTGCTTCACTTTATTACAAAAGGCTATGTCATTCGATTGTACCA-3'
Protein context (NP_060336.3, residues 142-162): IIFYGIMGSF[Thr152Met]VITPVLLHFI